The following is an entry in ClinVar:

ClinVar aggregate classification (germline): Uncertain significance (1 of 4 stars; one submission).

Submission:

GeneDx
Classification: Uncertain significance. Last evaluated: 2023-06-14. Review status: criteria provided, single submitter. Criteria: GeneDx Variant Classification Process June 2021. Collection method: clinical testing. Allele origin: germline. Affected: yes.
Comment: Not observed at significant frequency in large population cohorts (gnomAD); In silico analysis supports that this missense variant has a deleterious effect on protein structure/function; Has not been previously published as pathogenic or benign to our knowledge

NM_001367873.1(SOX6):c.236T>G (p.Met79Arg)

Gene: SOX6 (SRY-box transcription factor 6; minus strand). Cytogenetic location: 11p15.2.
Variant type: single nucleotide variant.
Coding change: c.236T>G on transcript NM_001367873.1 (MANE Select); coding-DNA position 236, T replaced by G.
Protein change: p.Met79Arg; replaces methionine 79 with arginine.
Molecular consequence: missense variant.
Genome position (GRCh38, 1-based): chr11:16,341,013, A>C on the plus strand (T>G on the coding strand, the complement: SOX6 is on the minus strand). VCF-style: chr11-16341013-A-C. GRCh37 (hg19) VCF-style: chr11-16362559-A-C.
Other names: c.236T>G, p.Met79Arg (NM_001145811.2, NM_001145819.2, NM_001367872.1 and 2 more transcripts); short protein forms M79R.
Identifiers: ClinVar variation 3253067 (VCV003253067.1), dbSNP rs2494225085.
Genomic context (GRCh38, chr11:16,341,013, plus strand): 5'-ATAATGAGGACATTCTAAGGAATGCATTTAGTGGCAGTGGTCAGATTTTAAAGGCTCACC[A>C]TTCTTTGCTGAGATGACAGAACGCTGTCCCAGTCAGCATCTTGTTGAATGGTACTGACAA-3'
Protein context (NP_001354802.1, residues 69-89): WDSVLSSQQR[Met79Arg]ESENNKLCSL